The following is an entry in ClinVar:

NM_004715.5(CTDP1):c.864-3T>C

Gene: CTDP1 (CTD phosphatase subunit 1; plus strand). Cytogenetic location: 18q23.
Variant type: single nucleotide variant.
Coding change: c.864-3T>C on transcript NM_004715.5 (MANE Select); 3 bases into the intron before coding-DNA position 864, T replaced by C.
Molecular consequence: intron variant.
Genome position (GRCh38, 1-based): chr18:79,712,969, T>C. VCF-style: chr18-79712969-T-C. GRCh37 (hg19) VCF-style: chr18-77472969-T-C.
Other names: c.864-3T>C (NM_001318511.2, NM_048368.4, NM_004715.4); c.507-3T>C (NM_001202504.1).
Identifiers: ClinVar variation 2048487 (VCV002048487.6), dbSNP rs202180742, ClinGen allele CA9010149.

ClinVar aggregate classification (germline): Uncertain significance. Review status: criteria provided, single submitter (1 of 4 stars). 2 submissions from 2 submitters: Uncertain significance (1). 1 of the submissions does not count toward it. Last evaluated 2023-10-03.

Conditions:
CTDP1-related disorder. Also called: CTDP1-related condition.

Allele frequency attached by ClinVar (database versions not stated): gnomAD 0.00001; TOPMed 0.00001; gnomAD exomes 0.00005; ExAC 0.00006; 1000 Genomes Project 30x 0.00016; 1000 Genomes Project 0.00020.
gnomAD v4.1: 70 of 1,614,022 alleles (0.0043%); highest among the groups gnomAD compares: East Asian, 0.16%; no homozygotes.

Submissions (2):

Labcorp Genetics (formerly Invitae), Labcorp
Classification: Uncertain significance. Last evaluated: 2023-10-03. Review status: criteria provided, single submitter. Criteria: Invitae Variant Classification Sherloc (09022015). Collection method: clinical testing. Allele origin: germline.
Comment: This sequence change falls in intron 6 of the CTDP1 gene. It does not directly change the encoded amino acid sequence of the CTDP1 protein. It affects a nucleotide within the consensus splice site. This variant is present in population databases (rs202180742, gnomAD 0.09%). This variant has not been reported in the literature in individuals affected with CTDP1-related conditions. ClinVar contains an entry for this variant (Variation ID: 2048487). Variants that disrupt the consensus splice site are a relatively common cause of aberrant splicing (PMID: 17576681, 9536098). Algorithms developed to predict the effect of sequence changes on RNA splicing suggest that this variant is not likely to affect RNA splicing. In summary, the available evidence is currently insufficient to determine the role of this variant in disease. Therefore, it has been classified as a Variant of Uncertain Significance.

PreventionGenetics, part of Exact Sciences
Classification: Likely benign for CTDP1-related condition. Last evaluated: 2021-09-09. Review status: no assertion criteria provided. Collection method: clinical testing. Allele origin: germline. Not counted in ClinVar's aggregate classification.
Comment: This variant is classified as likely benign based on ACMG/AMP sequence variant interpretation guidelines (Richards et al. 2015 PMID: 25741868, with internal and published modifications).

Literature cited by the submitters: PubMed 17576681 (cited by Labcorp Genetics (formerly Invitae), Labcorp); PubMed 9536098 (cited by Labcorp Genetics (formerly Invitae), Labcorp).